The following is an entry in ClinVar:

ClinVar aggregate classification (germline): Uncertain significance (1 of 4 stars; one submission).

Allele frequency attached by ClinVar (database versions not stated): gnomAD exomes below 0.00001.
gnomAD v4.1: 1 of 1,611,972 alleles (0.000062%); highest among the groups gnomAD compares: Admixed American, 0.0017%; no homozygotes.

Submission:

Labcorp Genetics (formerly Invitae), Labcorp
Classification: Uncertain significance. Last evaluated: 2021-11-23. Review status: criteria provided, single submitter. Criteria: Invitae Variant Classification Sherloc (09022015). Collection method: clinical testing. Allele origin: germline.
Comment: This sequence change replaces leucine, which is neutral and non-polar, with valine, which is neutral and non-polar, at codon 274 of the EARS2 protein (p.Leu274Val). This variant is present in population databases (rs544108817, gnomAD 0.003%). This variant has not been reported in the literature in individuals affected with EARS2-related conditions. Advanced modeling of protein sequence and biophysical properties (such as structural, functional, and spatial information, amino acid conservation, physicochemical variation, residue mobility, and thermodynamic stability) performed at Invitae indicates that this missense variant is expected to disrupt EARS2 protein function. In summary, the available evidence is currently insufficient to determine the role of this variant in disease. Therefore, it has been classified as a Variant of Uncertain Significance.

NM_001083614.2(EARS2):c.820C>G (p.Leu274Val)

Gene: EARS2 (glutamyl-tRNA synthetase 2, mitochondrial; minus strand). Cytogenetic location: 16p12.2.
Variant type: single nucleotide variant.
Coding change: c.820C>G on transcript NM_001083614.2 (MANE Select); coding-DNA position 820, C replaced by G.
Protein change: p.Leu274Val; replaces leucine 274 with valine.
Molecular consequence: missense variant. On other transcripts: non-coding transcript variant (1).
Genome position (GRCh38, 1-based): chr16:23,535,026, G>C on the plus strand (C>G on the coding strand, the complement: EARS2 is on the minus strand). VCF-style: chr16-23535026-G-C. GRCh37 (hg19) VCF-style: chr16-23546347-G-C.
Other names: c.820C>G, p.Leu274Val (NM_001308211.1); short protein forms L274V.
Identifiers: ClinVar variation 1449994 (VCV001449994.6), dbSNP rs544108817, ClinGen allele CA7962499.
Genomic context (GRCh38, chr16:23,535,026, plus strand): 5'-GGAAAACGTCCCCTTGCCTCTTGGAGAGCTTGCTGCCATCCCTGTTGAGGAGCAGGGGCA[G>C]GTGGGCGAAGTGGGGTGGCTGCCAGCCCAGGGCCTGGTAGAGGAGCAGGTGCTTGGCAGT-3'
Protein context (NP_001077083.1, residues 264-284): LGWQPPHFAH[Leu274Val]PLLLNRDGSK